The following is an entry in ClinVar:

NM_019892.6(INPP5E):c.1216G>A (p.Ala406Thr)

Gene: INPP5E (inositol polyphosphate-5-phosphatase E; minus strand). Cytogenetic location: 9q34.3.
Variant type: single nucleotide variant.
Coding change: c.1216G>A on transcript NM_019892.6 (MANE Select); coding-DNA position 1216, G replaced by A.
Protein change: p.Ala406Thr; replaces alanine 406 with threonine.
Molecular consequence: missense variant.
Genome position (GRCh38, 1-based): chr9:136,433,019, C>T on the plus strand (G>A on the coding strand, the complement: INPP5E is on the minus strand). VCF-style: chr9-136433019-C-T. GRCh37 (hg19) VCF-style: chr9-139327471-C-T.
Other names: c.1216G>A, p.Ala406Thr (NM_001318502.2); short protein forms A406T.
Identifiers: ClinVar variation 4984877 (VCV004984877.1).
Genomic context (GRCh38, chr9:136,433,019, plus strand): 5'-TGAAGTGGGACGTGATGAAGAGGAAGGAAGTGCCAAAAAAGGTGAAGCTGATGCCCAAGG[C>T]CCCCTTGGTCTTGATCTGAGACACGATGCGTGTGGTCACCGTGGAGCACTCCACCTCTGT-3'
Protein context (NP_063945.2, residues 396-416): RIVSQIKTKG[Ala406Thr]LGISFTFFGT

ClinVar aggregate classification (germline): Uncertain significance (1 of 4 stars; one submission).

Conditions:
INPP5E-related disorder. Also called: INPP5E-related condition.

gnomAD v4.1: 2 of 1,613,462 alleles (0.00012%); highest among the groups gnomAD compares: Non-Finnish European, 0.00017%; no homozygotes.

Submission:

PreventionGenetics, part of Exact Sciences
Classification: Uncertain significance for INPP5E-related condition. Last evaluated: 2025-12-16. Review status: criteria provided, single submitter. Criteria: ACMG Guidelines, 2015. Collection method: clinical testing. Allele origin: germline.
Comment: The INPP5E c.1216G>A variant is predicted to result in the amino acid substitution p.Ala406Thr. To our knowledge, this variant has not been reported in the literature or in a large population database (gnomAD), indicating this variant is rare. At this time, the clinical significance of this variant is uncertain due to the absence of conclusive functional and genetic evidence.